The following is an entry in ClinVar:

ClinVar aggregate classification (germline): Uncertain significance (1 of 4 stars; one submission).

Conditions:
POLD1-related polyposis and colorectal cancer syndrome (CRCS10). Also called: Colorectal cancer 10; COLORECTAL CANCER, SUSCEPTIBILITY TO, ON CHROMOSOME 19q; Colorectal cancer, susceptibility to, 10. Identifiers: Orphanet 220460, MedGen C2675481, MONDO:0012953, OMIM 612591.

Submission:

Labcorp Genetics (formerly Invitae), Labcorp
Classification: Uncertain significance for POLD1-related polyposis and colorectal cancer syndrome. Last evaluated: 2023-01-06. Review status: criteria provided, single submitter. Criteria: Invitae Variant Classification Sherloc (09022015). Collection method: clinical testing. Allele origin: germline.
Comment: This sequence change falls in intron 20 of the POLD1 gene. It does not directly change the encoded amino acid sequence of the POLD1 protein. It affects a nucleotide within the consensus splice site. This variant is not present in population databases (gnomAD no frequency). In summary, the available evidence is currently insufficient to determine the role of this variant in disease. Therefore, it has been classified as a Variant of Uncertain Significance. Variants that disrupt the consensus splice site are a relatively common cause of aberrant splicing (PMID: 17576681, 9536098). Algorithms developed to predict the effect of sequence changes on RNA splicing suggest that this variant may create or strengthen a splice site. This variant has not been reported in the literature in individuals affected with POLD1-related conditions.

Literature cited by the submitters: PubMed 17576681; PubMed 9536098.

NM_002691.4(POLD1):c.2565-3_2565-2del

Gene: POLD1 (DNA polymerase delta 1, catalytic subunit; plus strand). Cytogenetic location: 19q13.33.
Variant type: Deletion.
Coding change: c.2565-3_2565-2del on transcript NM_002691.4 (MANE Select); 3 bases into the intron before coding-DNA position 2565 through the canonical splice acceptor site of the intron before coding-DNA position 2565, 2 bases deleted (CA; older notation c.2565-3_2565-2delCA).
Molecular consequence: splice acceptor variant.
Genome position (GRCh38, 1-based): chr19:50,415,435-50,415,436, CA deleted; deleting any 2 consecutive bases within chr19:50,415,434-50,415,436 gives the same sequence; the c. name uses the placement nearest the transcript's 3' end. VCF-style (leftmost placement, unchanged base first): chr19-50415433-TAC-T. GRCh37 (hg19) VCF-style: chr19-50918690-TAC-T.
Other names: c.2565-3_2565-2del (NM_001256849.1); c.2643-3_2643-2del (NM_001308632.1).
Identifiers: ClinVar variation 2819589 (VCV002819589.3), dbSNP rs2514053090, ClinGen allele CA2739276978.